The following is an entry in ClinVar:

NM_001374623.1(PNPLA1):c.161C>A (p.Ala54Glu)

Gene: PNPLA1 (patatin like domain 1, omega-hydroxyceramide transacylase; plus strand). Cytogenetic location: 6p21.31.
Variant type: single nucleotide variant.
Coding change: c.161C>A on transcript NM_001374623.1 (MANE Select); coding-DNA position 161, C replaced by A.
Protein change: p.Ala54Glu; replaces alanine 54 with glutamic acid.
Molecular consequence: missense variant. On other transcripts: intron variant (2).
Genome position (GRCh38, 1-based): chr6:36,270,620, C>A. VCF-style: chr6-36270620-C-A. GRCh37 (hg19) VCF-style: chr6-36238397-C-A.
Other names: c.161C>A, p.Ala54Glu (NM_001145717.1); c.-80-20700C>A (NM_001145716.2, NM_173676.2); short protein forms A54E.
Identifiers: ClinVar variation 2992626 (VCV002992626.3), dbSNP rs898145251, ClinGen allele CA137362893.
Genomic context (GRCh38, chr6:36,270,620, plus strand): 5'-CCCTGCGGGACCTGGCCCCCCGGATGCTGGAAACAGCCCACCGCTTTGCGGGGACATCGG[C>A]AGGTGCTGTGATCGCCGCCCTGGCCATCTGCGGGATTGAAATGGGTGAGGCCTGTGTTCT-3'
Protein context (NP_001361552.1, residues 44-64): ETAHRFAGTS[Ala54Glu]GAVIAALAIC

ClinVar aggregate classification (germline): Uncertain significance (1 of 4 stars; one submission).

Allele frequency attached by ClinVar (database versions not stated): gnomAD exomes 0.00001; gnomAD 0.00005; TOPMed 0.00005.
gnomAD v4.1: 17 of 1,551,394 alleles (0.0011%); highest among the groups gnomAD compares: African/African-American, 0.023%; no homozygotes.

Submission:

Labcorp Genetics (formerly Invitae), Labcorp
Classification: Uncertain significance. Last evaluated: 2023-08-08. Review status: criteria provided, single submitter. Criteria: Invitae Variant Classification Sherloc (09022015). Collection method: clinical testing. Allele origin: germline.
Comment: In summary, the available evidence is currently insufficient to determine the role of this variant in disease. Therefore, it has been classified as a Variant of Uncertain Significance. An algorithm developed to predict the effect of missense changes on protein structure and function (PolyPhen-2) suggests that this variant is likely to be disruptive. This variant has not been reported in the literature in individuals affected with PNPLA1-related conditions. This variant is present in population databases (no rsID available, gnomAD 0.01%). This sequence change replaces alanine, which is neutral and non-polar, with glutamic acid, which is acidic and polar, at codon 54 of the PNPLA1 protein (p.Ala54Glu).